The following is an entry in ClinVar:

NM_000099.4(CST3):c.199A>G (p.Met67Val)

Genes: CST3 (cystatin C; minus strand), LOC130065546 (ATAC-STARR-seq lymphoblastoid silent region 12733; plus strand). Cytogenetic location: 20p11.21.
Variant type: single nucleotide variant.
Coding change: c.199A>G on transcript NM_000099.4 (MANE Select); coding-DNA position 199, A replaced by G.
Protein change: p.Met67Val; replaces methionine 67 with valine.
Molecular consequence: missense variant.
Genome position (GRCh38, 1-based): chr20:23,637,664, T>C on the plus strand (A>G on the coding strand, the complement: CST3 is on the minus strand). VCF-style: chr20-23637664-T-C. GRCh37 (hg19) VCF-style: chr20-23618301-T-C.
Other names: p.Met67Val; c.199A>G, p.Met67Val (NM_001288614.2); short protein forms M67V.
Identifiers: ClinVar variation 3497965 (VCV003497965.4).

ClinVar aggregate classification (germline): Uncertain significance. Review status: criteria provided, multiple submitters, no conflicts (2 of 4 stars). 3 submissions from 3 submitters: Uncertain significance (3). Last evaluated 2025-08-04.

gnomAD v4.1: 37 of 1,535,424 alleles (0.0024%); highest among the groups gnomAD compares: South Asian, 0.03%; no homozygotes.

Submissions (3):

Mayo Clinic Laboratories, Mayo Clinic
Classification: Uncertain significance. Last evaluated: 2025-08-04. Review status: criteria provided, single submitter. Criteria: ACMG Guidelines, 2015. Collection method: clinical testing. Allele origin: germline. Observed: 1 variant allele.
Comment: BP4_moderate

Ambry Genetics
Classification: Uncertain significance. Last evaluated: 2024-11-10. Review status: criteria provided, single submitter. Criteria: Ambry Variant Classification Scheme 2023. Collection method: clinical testing. Allele origin: germline.

Labcorp Genetics (formerly Invitae), Labcorp
Classification: Uncertain significance. Last evaluated: 2024-02-07. Review status: criteria provided, single submitter. Criteria: Invitae Variant Classification Sherloc (09022015). Collection method: clinical testing. Allele origin: germline.
Comment: This sequence change replaces methionine, which is neutral and non-polar, with valine, which is neutral and non-polar, at codon 67 of the CST3 protein (p.Met67Val). The frequency data for this variant in the population databases is considered unreliable, as metrics indicate poor data quality at this position in the gnomAD database. This variant has not been reported in the literature in individuals affected with CST3-related conditions. An algorithm developed to predict the effect of missense changes on protein structure and function (PolyPhen-2) suggests that this variant is likely to be tolerated. In summary, the available evidence is currently insufficient to determine the role of this variant in disease. Therefore, it has been classified as a Variant of Uncertain Significance.